The following is an entry in ClinVar:

ClinVar aggregate classification (germline): Uncertain significance (1 of 4 stars; one submission).

gnomAD v4.1: 2 of 1,613,990 alleles (0.00012%); highest among the groups gnomAD compares: Admixed American, 0.0033%; no homozygotes.

Submission:

Labcorp Genetics (formerly Invitae), Labcorp
Classification: Uncertain significance. Last evaluated: 2024-11-05. Review status: criteria provided, single submitter. Criteria: Invitae Variant Classification Sherloc (09022015). Collection method: clinical testing. Allele origin: germline.
Comment: This sequence change replaces proline, which is neutral and non-polar, with serine, which is neutral and polar, at codon 569 of the TTLL5 protein (p.Pro569Ser). This variant is present in population databases (no rsID available, gnomAD 0.003%). This variant has not been reported in the literature in individuals affected with TTLL5-related conditions. ClinVar contains an entry for this variant (Variation ID: 1347103). Invitae Evidence Modeling of protein sequence and biophysical properties (such as structural, functional, and spatial information, amino acid conservation, physicochemical variation, residue mobility, and thermodynamic stability) indicates that this missense variant is not expected to disrupt TTLL5 protein function with a negative predictive value of 80%. In summary, the available evidence is currently insufficient to determine the role of this variant in disease. Therefore, it has been classified as a Variant of Uncertain Significance.

NM_015072.5(TTLL5):c.1705C>T (p.Pro569Ser)

Gene: TTLL5 (tubulin tyrosine ligase like 5; plus strand). Cytogenetic location: 14q24.3.
Variant type: single nucleotide variant.
Coding change: c.1705C>T on transcript NM_015072.5 (MANE Select); coding-DNA position 1705, C replaced by T.
Protein change: p.Pro569Ser; replaces proline 569 with serine.
Molecular consequence: missense variant.
Genome position (GRCh38, 1-based): chr14:75,764,769, C>T. VCF-style: chr14-75764769-C-T. GRCh37 (hg19) VCF-style: chr14-76231112-C-T.
Other names: short protein forms P569S.
Identifiers: ClinVar variation 1347103 (VCV001347103.8), dbSNP rs764559135, ClinGen allele CA390466538.